The following is an entry in ClinVar:

NM_001174089.2(SLC4A11):c.1849+1G>A

Gene: SLC4A11 (solute carrier family 4 member 11; minus strand). Cytogenetic location: 20p13.
Variant type: single nucleotide variant.
Coding change: c.1849+1G>A on transcript NM_001174089.2 (MANE Select); the canonical splice donor site of the intron after coding-DNA position 1849, G replaced by A.
Molecular consequence: splice donor variant.
Genome position (GRCh38, 1-based): chr20:3,229,345, C>T on the plus strand (G>A on the coding strand, the complement: SLC4A11 is on the minus strand). VCF-style: chr20-3229345-C-T. GRCh37 (hg19) VCF-style: chr20-3209991-C-T.
Other names: c.1792+1G>A (NM_001400277.1, NM_001400278.1, NM_001400279.1); c.1735+1G>A (NM_001363745.2); c.1864+1G>A (NM_001400280.1); c.1978+1G>A (NM_001174090.2); c.1897+1G>A (NM_032034.4, NM_032034.3).
Identifiers: ClinVar variation 2131178 (VCV002131178.7), dbSNP rs2514532541, ClinGen allele CA408087578.

ClinVar aggregate classification (germline): Likely pathogenic. Review status: criteria provided, multiple submitters, no conflicts (2 of 4 stars). 2 submissions from 2 submitters: Likely pathogenic (2). Last evaluated 2025-02-05.

Conditions:
Corneal dystrophy-perceptive deafness syndrome (CDPD). Also called: CORNEAL DYSTROPHY AND SENSORINEURAL DEAFNESS; HARBOYAN SYNDROME. Identifiers: Orphanet 1490, MedGen C1857572, MONDO:0009015, OMIM 217400.

gnomAD v4.1: 1 of 1,613,272 alleles (0.000062%); highest among the groups gnomAD compares: Non-Finnish European, 0.000085%; no homozygotes.

Submissions (3):

Natera, Inc.
Classification: Likely pathogenic for Corneal dystrophy-perceptive deafness syndrome. Last evaluated: 2025-02-05. Review status: criteria provided, single submitter. Criteria: Natera Variant Classification Schema (03/2026). Collection method: clinical testing. Allele origin: germline.
Comment: The c.1897+1G>A variant in SLC4A11 is a canonical splice donor site variant predicted to affect pre-mRNA splicing, which may result in an abnormal transcript and altered protein product. This variant is expected to result in nonsense mediated decay, truncation, or a dysfunctional protein product. This variant is rare in the general population with a frequency below the threshold expected for the associated phenotype(s). Given the available evidence, this variant is classified as Likely Pathogenic.

Labcorp Genetics (formerly Invitae), Labcorp
Classification: Likely pathogenic. Last evaluated: 2022-04-28. Review status: criteria provided, single submitter. Criteria: Invitae Variant Classification Sherloc (09022015). Collection method: clinical testing. Allele origin: germline.
Comment: In summary, the currently available evidence indicates that the variant is pathogenic, but additional data are needed to prove that conclusively. Therefore, this variant has been classified as Likely Pathogenic. Algorithms developed to predict the effect of sequence changes on RNA splicing suggest that this variant may disrupt the consensus splice site. This variant has not been reported in the literature in individuals affected with SLC4A11-related conditions. This variant is not present in population databases (gnomAD no frequency). This sequence change affects a donor splice site in intron 14 of the SLC4A11 gene. It is expected to disrupt RNA splicing. Variants that disrupt the donor or acceptor splice site typically lead to a loss of protein function (PMID: 16199547), and loss-of-function variants in SLC4A11 are known to be pathogenic (PMID: 17220209, 17679935).

Dr. Peter K. Rogan Lab, Western University
No classification provided (evidence only). Condition: Ovarian serous cystadenocarcinoma. Review status: no classification provided. Collection method: in vitro. Allele origin: not applicable. Functional consequence: retained intron. Not counted in ClinVar's aggregate classification.

Literature cited by the submitters: PubMed 16199547 (cited by Labcorp Genetics (formerly Invitae), Labcorp); PubMed 17220209 (cited by Labcorp Genetics (formerly Invitae), Labcorp); PubMed 17679935 (cited by Labcorp Genetics (formerly Invitae), Labcorp).